The following is an entry in ClinVar:

NM_002529.4(NTRK1):c.1659del (p.Arg554fs)

Gene: NTRK1 (neurotrophic receptor tyrosine kinase 1; plus strand). Cytogenetic location: 1q23.1.
Variant type: Deletion.
Coding change: c.1659del on transcript NM_002529.4 (MANE Select); coding-DNA position 1659, one base deleted (T; older notation c.1659delT).
Protein change: p.Arg554fs; shifts the reading frame from arginine 554.
Molecular consequence: frameshift variant.
Genome position (GRCh38, 1-based): chr1:156,876,426, T deleted. VCF-style (leftmost placement, unchanged base first): chr1-156876425-CT-C. GRCh37 (hg19) VCF-style: chr1-156846217-CT-C.
Other names: c.1641delT (NM_001012331.1); c.1551del, p.Arg518fs (NM_001007792.1); c.1641del, p.Arg548fs (NM_001012331.2); short protein forms R518fs, R554fs, R548fs.
Identifiers: ClinVar variation 579700 (VCV000579700.8), dbSNP rs1363364803, ClinGen allele CA889790049.

ClinVar aggregate classification (germline): Pathogenic (1 of 4 stars; one submission).

Conditions:
Hereditary insensitivity to pain with anhidrosis (CIPA). Also called: INSENSITIVITY TO PAIN, CONGENITAL, WITH ANHIDROSIS; NEUROPATHY, CONGENITAL SENSORY, WITH ANHIDROSIS; HSAN Type IV; NTRK1 Congenital Insensitivity to Pain with Anhidrosis; hereditary sensory and autonomic neuropathy type 4; FAMILIAL DYSAUTONOMIA, TYPE II. Identifiers: Orphanet 642, MedGen C0020074, MONDO:0009746, OMIM 256800.

Allele frequency attached by ClinVar (database versions not stated): TOPMed below 0.00001; gnomAD 0.00001; gnomAD exomes 0.00001.

Submission:

Labcorp Genetics (formerly Invitae), Labcorp
Classification: Pathogenic for Hereditary insensitivity to pain with anhidrosis. Last evaluated: 2019-09-24. Review status: criteria provided, single submitter. Criteria: Invitae Variant Classification Sherloc (09022015). Collection method: clinical testing. Allele origin: germline.
Comment: For these reasons, this variant has been classified as Pathogenic. Loss-of-function variants in NTRK1 are known to be pathogenic (PMID: 10982191). This variant has not been reported in the literature in individuals with NTRK1-related disease. ClinVar contains an entry for this variant (Variation ID: 579700). This variant is not present in population databases (ExAC no frequency). This sequence change creates a premature translational stop signal (p.Arg548Glyfs*104) in the NTRK1 gene. It is expected to result in an absent or disrupted protein product.

Literature cited by the submitters: PubMed 10982191.